The following is an entry in ClinVar:

NM_000520.6(HEXA):c.1382G>T (p.Gly461Val)

Gene: HEXA (hexosaminidase subunit alpha; minus strand). Cytogenetic location: 15q23.
Variant type: single nucleotide variant.
Coding change: c.1382G>T on transcript NM_000520.6 (MANE Select); coding-DNA position 1382, G replaced by T.
Protein change: p.Gly461Val; replaces glycine 461 with valine.
Molecular consequence: missense variant. On other transcripts: non-coding transcript variant (1).
Genome position (GRCh38, 1-based): chr15:72,346,274, C>A on the plus strand (G>T on the coding strand, the complement: HEXA is on the minus strand). VCF-style: chr15-72346274-C-A. GRCh37 (hg19) VCF-style: chr15-72638615-C-A.
Other names: c.1415G>T, p.Gly472Val (NM_001318825.2); c.1382G>T (NM_000520.5); short protein forms G472V, G461V.
Identifiers: ClinVar variation 2168862 (VCV002168862.8), dbSNP rs375019490, ClinGen allele CA393059184.

ClinVar aggregate classification (germline): Conflicting classifications of pathogenicity. Review status: criteria provided, conflicting classifications (1 of 4 stars). 3 submissions from 3 submitters: Pathogenic (1); Likely pathogenic (1); Uncertain significance (1). Last evaluated 2025-09-25.

Conditions:
Tay-Sachs disease (TSD). Also called: GM2 gangliosidosis, type 1; Hexosaminidase alpha-subunit deficiency (variant B); Sphingolipidosis, Tay-Sachs; Hexosaminidase A Deficiency; HEXA DEFICIENCY; HEXA Disorders. Identifiers: Orphanet 845, MedGen C0039373, MONDO:0010100, OMIM 272800.

gnomAD v4.1: 1 of 1,614,050 alleles (0.000062%); highest among the groups gnomAD compares: Admixed American, 0.0017%; no homozygotes.

Submissions (3):

Women's Health and Genetics/Laboratory Corporation of America, LabCorp
Classification: Uncertain significance. Last evaluated: 2025-09-25. Review status: criteria provided, single submitter. Criteria: LabCorp Variant Classification Summary - May 2015. Collection method: clinical testing. Allele origin: germline.
Comment: Variant summary: HEXA c.1382G>T (p.Gly461Val) results in a non-conservative amino acid change located in the Glycoside hydrolase family 20, catalytic domain (IPR015883) of the encoded protein sequence. Algorithms developed to predict the effect of missense changes on protein structure and function all suggest that this variant is likely to be disruptive. The variant allele was found at a frequency of 4e-06 in 251234 control chromosomes. The available data on variant occurrences in the general population are insufficient to allow any conclusion about variant significance. c.1382G>T has been observed in at least one compound heterozygous individual affected with juvenile Tay-Sachs disease (e.g. King_2020). These data do not allow any conclusion about variant significance. To our knowledge, no experimental evidence demonstrating an impact on protein function has been reported. The following publication has been ascertained in the context of this evaluation (PMID: 33240792). ClinVar contains an entry for this variant (Variation ID: 2168862). Based on the evidence outlined above, the variant was classified as uncertain significance.

Natera, Inc.
Classification: Likely pathogenic for Tay-Sachs disease. Last evaluated: 2025-06-20. Review status: criteria provided, single submitter. Criteria: Natera Variant Classification Schema (03/2026). Collection method: clinical testing. Allele origin: germline.
Comment: The c.1382G>T variant in HEXA is a missense variant predicted to cause substitution of glycine to valine at amino acid 461. This variant is rare in the general population with a frequency below the threshold expected for the associated phenotype(s). This variant has been observed in one or more individuals affected with the associated recessive disease, as either homozygous or compound heterozygous with a second variant (PMID: 33240792). This variant has been identified in one or more affected individuals with a phenotype highly consistent with the associated gene (PMID: 33240792). Computational prediction algorithms indicate this variant is likely to affect gene or protein function. Given the available evidence, this variant is classified as Likely Pathogenic.

Labcorp Genetics (formerly Invitae), Labcorp
Classification: Pathogenic for Tay-Sachs disease. Last evaluated: 2023-12-19. Review status: criteria provided, single submitter. Criteria: Invitae Variant Classification Sherloc (09022015). Collection method: clinical testing. Allele origin: germline.
Comment: This sequence change replaces glycine, which is neutral and non-polar, with valine, which is neutral and non-polar, at codon 461 of the HEXA protein (p.Gly461Val). This variant is present in population databases (no rsID available, gnomAD 0.003%). This missense change has been observed in individual(s) with Tay-Sachs disease (PMID: 31367523, 33240792). In at least one individual the data is consistent with being in trans (on the opposite chromosome) from a pathogenic variant. ClinVar contains an entry for this variant (Variation ID: 2168862). Advanced modeling of protein sequence and biophysical properties (such as structural, functional, and spatial information, amino acid conservation, physicochemical variation, residue mobility, and thermodynamic stability) performed at Invitae indicates that this missense variant is expected to disrupt HEXA protein function with a positive predictive value of 95%. For these reasons, this variant has been classified as Pathogenic.

Literature cited by the submitters: PubMed 33240792 (cited by 3 submitters); PubMed 31367523 (cited by Labcorp Genetics (formerly Invitae), Labcorp).